The following is an entry in ClinVar:

NM_005633.4(SOS1):c.3043G>C (p.Glu1015Gln)

Gene: SOS1 (SOS Ras/Rac guanine nucleotide exchange factor 1; minus strand). Cytogenetic location: 2p22.1.
Variant type: single nucleotide variant.
Coding change: c.3043G>C on transcript NM_005633.4 (MANE Select); coding-DNA position 3043, G replaced by C.
Protein change: p.Glu1015Gln; replaces glutamic acid 1015 with glutamine.
Molecular consequence: missense variant.
Genome position (GRCh38, 1-based): chr2:38,996,960, C>G on the plus strand (G>C on the coding strand, the complement: SOS1 is on the minus strand). VCF-style: chr2-38996960-C-G. GRCh37 (hg19) VCF-style: chr2-39224101-C-G.
Other names: c.3022G>C, p.Glu1008Gln (NM_001382394.1); c.3043G>C, p.Glu1015Gln (NM_001382395.1); short protein forms E1008Q, E1015Q.
Identifiers: ClinVar variation 1433478 (VCV001433478.6), dbSNP rs772348571, ClinGen allele CA346361372.

ClinVar aggregate classification (germline): Uncertain significance (1 of 4 stars; one submission).

Conditions:
RASopathy. Also called: rasopathies; Noonan spectrum disorder. Identifiers: Orphanet 536391, MedGen C5555857, MONDO:0021060.

Submission:

Labcorp Genetics (formerly Invitae), Labcorp
Classification: Uncertain significance for RASopathy. Last evaluated: 2024-08-19. Review status: criteria provided, single submitter. Criteria: Invitae Variant Classification Sherloc (09022015). Collection method: clinical testing. Allele origin: germline.
Comment: This sequence change replaces glutamic acid, which is acidic and polar, with glutamine, which is neutral and polar, at codon 1015 of the SOS1 protein (p.Glu1015Gln). This variant is not present in population databases (gnomAD no frequency). This variant has not been reported in the literature in individuals affected with SOS1-related conditions. ClinVar contains an entry for this variant (Variation ID: 1433478). Invitae Evidence Modeling of protein sequence and biophysical properties (such as structural, functional, and spatial information, amino acid conservation, physicochemical variation, residue mobility, and thermodynamic stability) has been performed for this missense variant. However, the output from this modeling did not meet the statistical confidence thresholds required to predict the impact of this variant on SOS1 protein function. In summary, the available evidence is currently insufficient to determine the role of this variant in disease. Therefore, it has been classified as a Variant of Uncertain Significance.